The following is an entry in ClinVar:

ClinVar aggregate classification (germline): Uncertain significance. Review status: criteria provided, multiple submitters, no conflicts (2 of 4 stars). 3 submissions from 3 submitters: Uncertain significance (2). 1 of the submissions does not count toward it. Last evaluated 2023-12-26.

Conditions:
Neuropathy, hereditary sensory and autonomic, type 2A (HSAN2A). Also called: ACROOSTEOLYSIS, GIACCAI TYPE; ACROOSTEOLYSIS, NEUROGENIC; WNK1-Related HSAN2 (HSAN2A); HSAN IIA; MORVAN DISEASE; NEUROPATHY, CONGENITAL SENSORY. Identifiers: Orphanet 970, MedGen C2752089, MONDO:0024309, OMIM 201300.
Generalized epilepsy with febrile seizures plus, type 7 (GEFSP7). Also called: GEFS+, TYPE 7. Identifiers: Orphanet 36387, MedGen C2751778, MONDO:0013470, OMIM 613863.
Charcot-Marie-Tooth disease. Also called: Charcot-Marie-Tooth Hereditary Neuropathy; Charcot-Marie-Tooth Neuropathy. Identifiers: Orphanet 166, MedGen C0007959, MONDO:0015626.

Allele frequency attached by ClinVar (database versions not stated): gnomAD 0.00003.

Submissions (3):

Women's Health and Genetics/Laboratory Corporation of America, LabCorp
Classification: Uncertain significance. Last evaluated: 2023-12-26. Review status: criteria provided, single submitter. Criteria: LabCorp Variant Classification Summary - May 2015. Collection method: clinical testing. Allele origin: germline.
Comment: Variant summary: SCN9A c.4596G>A (p.Met1532Ile) results in a conservative amino acid change located in the Ion transport domain (IPR005821) of the encoded protein sequence. Three of five in-silico tools predict a benign effect of the variant on protein function. The variant allele was found at a frequency of 8.1e-06 in 248260 control chromosomes. The available data on variant occurrences in the general population are insufficient to allow any conclusion about variant significance. c.4596G>A has been reported in the literature in individuals affected with small nerve fiber neuropathy and congenital left ventricular outflow tract obstruction (examples, Edwards_2020, Faber_2012, Jin_2017). These report(s) do not provide unequivocal conclusions about association of the variant with Primary Erythromelalgia. At least one publication reports experimental evidence evaluating an impact on protein function, the authors suggested this variant as a gain-of-function change, however, details of such conclusion were not provided for independent analysis (Faber_2012). The following publications have been ascertained in the context of this evaluation (PMID: 32368696, 21698661, 28991257). One submitter has cited clinical-significance assessments for this variant to ClinVar after 2014 and has classified the variant as uncertain significance. Based on the evidence outlined above, the variant was classified as uncertain significance.

Labcorp Genetics (formerly Invitae), Labcorp
Classification: Uncertain significance for Neuropathy, hereditary sensory and autonomic, type 2A; Generalized epilepsy with febrile seizures plus, type 7. Last evaluated: 2023-11-20. Review status: criteria provided, single submitter. Criteria: Invitae Variant Classification Sherloc (09022015). Collection method: clinical testing. Allele origin: germline.
Comment: This sequence change replaces methionine, which is neutral and non-polar, with isoleucine, which is neutral and non-polar, at codon 1532 of the SCN9A protein (p.Met1532Ile). This variant is present in population databases (rs200328637, gnomAD 0.002%). This missense change has been observed in individual(s) with small fiber neuropathy (PMID: 21698661). ClinVar contains an entry for this variant (Variation ID: 637861). Advanced modeling of protein sequence and biophysical properties (such as structural, functional, and spatial information, amino acid conservation, physicochemical variation, residue mobility, and thermodynamic stability) performed at Invitae indicates that this missense variant is not expected to disrupt SCN9A protein function with a negative predictive value of 95%. Experimental studies have shown that this missense change affects SCN9A function (PMID: 21698661). In summary, the available evidence is currently insufficient to determine the role of this variant in disease. Therefore, it has been classified as a Variant of Uncertain Significance.

Inherited Neuropathy Consortium
Classification: Uncertain significance for Charcot-Marie-Tooth disease. Review status: no assertion criteria provided. Collection method: literature only. Allele origin: germline. Affected: yes. Not counted in ClinVar's aggregate classification.

Literature cited by the submitters: PubMed 28991257 (cited by Women's Health and Genetics/Laboratory Corporation of America, LabCorp); PubMed 21698661 (cited by 3 submitters); PubMed 32368696 (cited by Women's Health and Genetics/Laboratory Corporation of America, LabCorp).

NM_001365536.1(SCN9A):c.4629G>A (p.Met1543Ile)

Genes: SCN1A-AS1 (SCN1A and SCN9A antisense RNA 1; plus strand), SCN9A (sodium voltage-gated channel alpha subunit 9; minus strand). Cytogenetic location: 2q24.3.
Variant type: single nucleotide variant.
Coding change: c.4629G>A on transcript NM_001365536.1 (MANE Select); coding-DNA position 4629, G replaced by A.
Protein change: p.Met1543Ile; replaces methionine 1543 with isoleucine.
Molecular consequence: missense variant.
Genome position (GRCh38, 1-based): chr2:166,204,100, C>T on the plus strand (G>A on the coding strand, the complement: SCN9A is on the minus strand). VCF-style: chr2-166204100-C-T. GRCh37 (hg19) VCF-style: chr2-167060610-C-T.
Other names: c.4596G>A, p.Met1532Ile (NM_002977.4); short protein forms M1532I, M1543I.
Identifiers: ClinVar variation 637861 (VCV000637861.13), dbSNP rs200328637, ClinGen allele CA1943816.
Genomic context (GRCh38, chr2:166,204,100, plus strand): 5'-CACACATTCTCCAGTGAAAAGGATTATAAAAACCACATTTATCCAATATAAAACTTCAGT[C>T]ATATGTTGACTTTGACCCTCCTTTTCTACCATCATGGTTACCATGTTGAGACAGATAAGA-3'
Protein context (NP_001352465.1, residues 1533-1553): MVEKEGQSQH[Met1543Ile]TEVLYWINVV